The following is an entry in ClinVar:

NM_003108.4(SOX11):c.584G>C (p.Gly195Ala)

Gene: SOX11 (SRY-box transcription factor 11; plus strand). Cytogenetic location: 2p25.2.
Variant type: single nucleotide variant.
Coding change: c.584G>C on transcript NM_003108.4 (MANE Select); coding-DNA position 584, G replaced by C.
Protein change: p.Gly195Ala; replaces glycine 195 with alanine.
Molecular consequence: missense variant.
Genome position (GRCh38, 1-based): chr2:5,693,305, G>C. VCF-style: chr2-5693305-G-C. GRCh37 (hg19) VCF-style: chr2-5833437-G-C.
Other names: short protein forms G195A.
Identifiers: ClinVar variation 4746889 (VCV004746889.1).

ClinVar aggregate classification (germline): Uncertain significance (1 of 4 stars; one submission).

Submission:

Labcorp Genetics (formerly Invitae), Labcorp
Classification: Uncertain significance. Last evaluated: 2025-08-29. Review status: criteria provided, single submitter. Criteria: Invitae Variant Classification Sherloc (09022015). Collection method: clinical testing. Allele origin: germline.
Comment: This sequence change replaces glycine, which is neutral and non-polar, with alanine, which is neutral and non-polar, at codon 195 of the SOX11 protein (p.Gly195Ala). This variant is not present in population databases (gnomAD no frequency). This variant has not been reported in the literature in individuals affected with SOX11-related conditions. Invitae Evidence Modeling of protein sequence and biophysical properties (such as structural, functional, and spatial information, amino acid conservation, physicochemical variation, residue mobility, and thermodynamic stability) indicates that this missense variant is not expected to disrupt SOX11 protein function with a negative predictive value of 95%. In summary, the available evidence is currently insufficient to determine the role of this variant in disease. Therefore, it has been classified as a Variant of Uncertain Significance.